The following is an entry in ClinVar:

NM_020843.4(SCAPER):c.897T>G (p.Asp299Glu)

Gene: SCAPER (S-phase cyclin A associated protein in the ER; minus strand). Cytogenetic location: 15q24.3.
Variant type: single nucleotide variant.
Coding change: c.897T>G on transcript NM_020843.4 (MANE Select); coding-DNA position 897, T replaced by G.
Protein change: p.Asp299Glu; replaces aspartic acid 299 with glutamic acid.
Molecular consequence: missense variant. On other transcripts: non-coding transcript variant (1).
Genome position (GRCh38, 1-based): chr15:76,774,993, A>C on the plus strand (T>G on the coding strand, the complement: SCAPER is on the minus strand). VCF-style: chr15-76774993-A-C. GRCh37 (hg19) VCF-style: chr15-77067334-A-C.
Other names: c.159T>G, p.Asp53Glu (NM_001145923.2); c.897T>G, p.Asp299Glu (NM_001353009.2); c.495T>G, p.Asp165Glu (NM_001353010.2, NM_001353011.2, NM_001353012.2); c.897T>G (NM_001353009.1); short protein forms D165E, D299E, D53E.
Identifiers: ClinVar variation 2206555 (VCV002206555.4), dbSNP rs567472142, ClinGen allele CA273661578.

ClinVar aggregate classification (germline): Uncertain significance. Review status: criteria provided, multiple submitters, no conflicts (2 of 4 stars). 2 submissions from 2 submitters: Uncertain significance (2). Last evaluated 2026-08-25.

Conditions:
SCAPER-related disorder. Also called: SCAPER-related condition.
Inborn genetic diseases. Identifiers: MedGen C0950123, MeSH D030342.

Allele frequency attached by ClinVar (database versions not stated): gnomAD 0.00003; gnomAD exomes 0.00003; TOPMed 0.00003.
gnomAD v4.1: 40 of 1,613,736 alleles (0.0025%); highest among the groups gnomAD compares: Non-Finnish European, 0.0031%; no homozygotes.

Submissions (2):

PreventionGenetics, part of Exact Sciences
Classification: Uncertain significance for SCAPER-related condition. Last evaluated: 2026-08-25. Review status: criteria provided, single submitter. Criteria: ACMG Guidelines, 2015. Collection method: clinical testing. Allele origin: germline.
Comment: The SCAPER c.897T>G variant is predicted to result in the amino acid substitution p.Asp299Glu. To our knowledge, this variant has not been reported in the literature. This variant is reported in 0.0083% of alleles in individuals of African descent in gnomAD. At this time, the clinical significance of this variant is uncertain due to the absence of conclusive functional and genetic evidence.

Ambry Genetics
Classification: Uncertain significance for Inborn genetic diseases. Last evaluated: 2025-02-21. Review status: criteria provided, single submitter. Criteria: Ambry Variant Classification Scheme 2023. Collection method: clinical testing. Allele origin: germline.